The following is an entry in ClinVar:

NM_021615.5(CHST6):c.226G>A (p.Val76Met)

Gene: CHST6 (carbohydrate sulfotransferase 6; minus strand). Cytogenetic location: 16q23.1.
Variant type: single nucleotide variant.
Coding change: c.226G>A on transcript NM_021615.5 (MANE Select); coding-DNA position 226, G replaced by A.
Protein change: p.Val76Met; replaces valine 76 with methionine.
Molecular consequence: missense variant.
Genome position (GRCh38, 1-based): chr16:75,479,603, C>T on the plus strand (G>A on the coding strand, the complement: CHST6 is on the minus strand). VCF-style: chr16-75479603-C-T. GRCh37 (hg19) VCF-style: chr16-75513501-C-T.
Other names: short protein forms V76M.
Identifiers: ClinVar variation 3768834 (VCV003768834.1).

ClinVar aggregate classification (germline): Uncertain significance (1 of 4 stars; one submission).

Submission:

Women's Health and Genetics/Laboratory Corporation of America, LabCorp
Classification: Uncertain significance. Last evaluated: 2025-02-25. Review status: criteria provided, single submitter. Criteria: LabCorp Variant Classification Summary - May 2015. Collection method: clinical testing. Allele origin: germline.
Comment: Variant summary: CHST6 c.226G>A (p.Val76Met) results in a conservative amino acid change located in the Sulfotransferase domain (IPR000863) of the encoded protein sequence. Four of five in-silico tools predict a damaging effect of the variant on protein function. The variant was absent in 248710 control chromosomes. The available data on variant occurrences in the general population are insufficient to allow any conclusion about variant significance. c.226G>A has been reported in the literature in individuals affected with Macular Corneal Dystrophy (Ha_2003). These report(s) do not provide unequivocal conclusions about association of the variant with Macular Corneal Dystrophy. To our knowledge, no experimental evidence demonstrating an impact on protein function has been reported. The following publication have been ascertained in the context of this evaluation (PMID: 12882775). No submitters have cited clinical-significance assessments for this variant to ClinVar. Based on the evidence outlined above, the variant was classified as uncertain significance.

Literature cited by the submitters: PubMed 12882775.